The following is an entry in ClinVar:

NM_001271696.3(ABCB7):c.1569G>T (p.Glu523Asp)

Gene: ABCB7 (ATP binding cassette subfamily B member 7; minus strand). Cytogenetic location: Xq13.3.
Variant type: single nucleotide variant.
Coding change: c.1569G>T on transcript NM_001271696.3 (MANE Select); coding-DNA position 1569, G replaced by T.
Protein change: p.Glu523Asp; replaces glutamic acid 523 with aspartic acid.
Molecular consequence: missense variant.
Genome position (GRCh38, 1-based): chrX:75,069,097, C>A on the plus strand (G>T on the coding strand, the complement: ABCB7 is on the minus strand). VCF-style: chrX-75069097-C-A. GRCh37 (hg19) VCF-style: chrX-74288932-C-A.
Other names: c.1449G>T, p.Glu483Asp (NM_001271697.3); c.1491G>T, p.Glu497Asp (NM_001271698.3); c.1452G>T, p.Glu484Asp (NM_001271699.3); c.1572G>T, p.Glu524Asp (NM_004299.6); short protein forms E483D, E523D, E484D, E497D, E524D.
Identifiers: ClinVar variation 4724346 (VCV004724346.1).

ClinVar aggregate classification (germline): Uncertain significance (1 of 4 stars; one submission).

gnomAD v4.1: 2 of 1,209,441 alleles (0.00017%); highest among the groups gnomAD compares: South Asian, 0.0035%; no homozygotes.

Submission:

Labcorp Genetics (formerly Invitae), Labcorp
Classification: Uncertain significance. Last evaluated: 2025-07-30. Review status: criteria provided, single submitter. Criteria: Invitae Variant Classification Sherloc (09022015). Collection method: clinical testing. Allele origin: germline.
Comment: This sequence change replaces glutamic acid, which is acidic and polar, with aspartic acid, which is acidic and polar, at codon 524 of the ABCB7 protein (p.Glu524Asp). This variant is present in population databases (no rsID available, gnomAD 0.005%). This variant has not been reported in the literature in individuals affected with ABCB7-related conditions. An algorithm developed to predict the effect of missense changes on protein structure and function (PolyPhen-2) suggests that this variant is likely to be tolerated. In summary, the available evidence is currently insufficient to determine the role of this variant in disease. Therefore, it has been classified as a Variant of Uncertain Significance.